The following is an entry in ClinVar:

NM_025137.4(SPG11):c.6610C>A (p.Leu2204Met)

Gene: SPG11 (SPG11 vesicle trafficking associated, spatacsin; minus strand). Cytogenetic location: 15q21.1.
Variant type: single nucleotide variant.
Coding change: c.6610C>A on transcript NM_025137.4 (MANE Select); coding-DNA position 6610, C replaced by A.
Protein change: p.Leu2204Met; replaces leucine 2204 with methionine.
Molecular consequence: missense variant.
Genome position (GRCh38, 1-based): chr15:44,567,568, G>T on the plus strand (C>A on the coding strand, the complement: SPG11 is on the minus strand). VCF-style: chr15-44567568-G-T. GRCh37 (hg19) VCF-style: chr15-44859766-G-T.
Other names: c.6271C>A, p.Leu2091Met (NM_001160227.2); c.6466C>A, p.Leu2156Met (NM_001411132.1); short protein forms L2204M, L2091M, L2156M.
Identifiers: ClinVar variation 1913050 (VCV001913050.5), dbSNP rs2082336423, ClinGen allele CA392215382.
Genomic context (GRCh38, chr15:44,567,568, plus strand): 5'-ACAGGGCAATCATATTGTGCTTTTCACTGTCTCCAGGACGGCAGCGTTTGATGTAGTCCA[G>T]CAGGGCTGTTTTCAGGGTACCACTCTGCCCAGAATAAAAGGGAAAAAGCAAGGTGTCAGT-3'
Protein context (NP_079413.3, residues 2194-2214): DPSGTLKTAL[Leu2204Met]DYIKRCRPGD

ClinVar aggregate classification (germline): Uncertain significance (1 of 4 stars; one submission).

Conditions:
Hereditary spastic paraplegia 11. Also called: Spastic paraplegia, mental retardation and thin corpus callosum; Nakamura Osame syndrome; Autosomal recessive hereditary spastic paraplegia, mental impairment, and thin corpus callosum; SPASTIC PARAPLEGIA, AUTOSOMAL RECESSIVE, COMPLICATED, WITH THIN CORPUS CALLOSUM; SPASTIC PARAPLEGIA, AUTOSOMAL RECESSIVE, WITH MENTAL IMPAIRMENT AND THIN CORPUS CALLOSUM; Spastic Paraplegia 11. Identifiers: Orphanet 2822, MedGen C1858479, MONDO:0011445, OMIM 604360.

Submission:

Labcorp Genetics (formerly Invitae), Labcorp
Classification: Uncertain significance for Hereditary spastic paraplegia 11. Last evaluated: 2023-10-10. Review status: criteria provided, single submitter. Criteria: Invitae Variant Classification Sherloc (09022015). Collection method: clinical testing. Allele origin: germline.
Comment: This sequence change replaces leucine, which is neutral and non-polar, with methionine, which is neutral and non-polar, at codon 2204 of the SPG11 protein (p.Leu2204Met). This variant is not present in population databases (gnomAD no frequency). This variant has not been reported in the literature in individuals affected with SPG11-related conditions. ClinVar contains an entry for this variant (Variation ID: 1913050). Advanced modeling of protein sequence and biophysical properties (such as structural, functional, and spatial information, amino acid conservation, physicochemical variation, residue mobility, and thermodynamic stability) performed at Invitae indicates that this missense variant is expected to disrupt SPG11 protein function. In summary, the available evidence is currently insufficient to determine the role of this variant in disease. Therefore, it has been classified as a Variant of Uncertain Significance.